The following is an entry in ClinVar:

ClinVar aggregate classification (germline): Uncertain significance (1 of 4 stars; one submission).

Conditions:
Hereditary cancer-predisposing syndrome. Also called: Neoplastic Syndromes, Hereditary; Hereditary Cancer Syndrome; Tumor predisposition; Hereditary neoplastic syndrome. Identifiers: Orphanet 140162, MedGen C0027672, MeSH D009386, MONDO:0015356.

Submission:

Ambry Genetics
Classification: Uncertain significance for Hereditary cancer-predisposing syndrome. Last evaluated: 2025-02-08. Review status: criteria provided, single submitter. Criteria: Ambry Variant Classification Scheme 2023. Collection method: clinical testing. Allele origin: germline.
Comment: The p.G1329R variant (also known as c.3985G>A), located in coding exon 25 of the ATM gene, results from a G to A substitution at nucleotide position 3985. The glycine at codon 1329 is replaced by arginine, an amino acid with dissimilar properties. This amino acid position is conserved. In addition, this alteration is predicted to be deleterious by in silico analysis. Based on the available evidence, the clinical significance of this variant remains unclear.

NM_000051.4(ATM):c.3985G>A (p.Gly1329Arg)

Gene: ATM (ATM serine/threonine kinase; plus strand). Cytogenetic location: 11q22.3.
Variant type: single nucleotide variant.
Coding change: c.3985G>A on transcript NM_000051.4 (MANE Select); coding-DNA position 3985, G replaced by A.
Protein change: p.Gly1329Arg; replaces glycine 1329 with arginine.
Molecular consequence: missense variant.
Genome position (GRCh38, 1-based): chr11:108,284,465, G>A. VCF-style: chr11-108284465-G-A. GRCh37 (hg19) VCF-style: chr11-108155192-G-A.
Other names: c.3985G>A, p.Gly1329Arg (NM_001351834.2); short protein forms G1329R.
Identifiers: ClinVar variation 3802549 (VCV003802549.1).
Genomic context (GRCh38, chr11:108,284,465, plus strand): 5'-GCACAGCAAAGAGAGACTGCTACCAAGGTCTATGATATGCTTAAAAGTGAAAACTTATTG[G>A]GAAAACAGGTATGGCTTCAATTTTTATGTACTTTTCATTCCCTGAATGATATGAGATATA-3'
Protein context (NP_000042.3, residues 1319-1339): YDMLKSENLL[Gly1329Arg]KQIDHLFISN